The following is an entry in ClinVar:

NM_005138.3(SCO2):c.-78G>C

Genes: SCO2 (synthesis of cytochrome C oxidase 2; minus strand), TYMP (thymidine phosphorylase; minus strand), LOC130067861 (ATAC-STARR-seq lymphoblastoid silent region 13985; plus strand). Cytogenetic location: 22q13.33.
Variant type: single nucleotide variant.
Coding change: c.-78G>C on transcript NM_005138.3 (MANE Select); 78 bases upstream of the start codon, G replaced by C.
Molecular consequence: 5 prime UTR variant. On other transcripts: intron variant (2).
Genome position (GRCh38, 1-based): chr22:50,525,536, C>G on the plus strand (G>C on the coding strand, the complement: SCO2 is on the minus strand). VCF-style: chr22-50525536-C-G. GRCh37 (hg19) VCF-style: chr22-50963965-C-G.
Other names: c.-108G>C (NM_001169111.2); c.-14+710G>C (NM_001169109.2); c.-14+465G>C (NM_001169110.1).
Identifiers: ClinVar variation 342130 (VCV000342130.12), dbSNP rs131806, ClinGen allele CA10653660.

ClinVar aggregate classification (germline): Benign. Review status: criteria provided, multiple submitters, no conflicts (2 of 4 stars). 5 submissions from 3 submitters: Benign (5). Last evaluated 2021-07-10.

Conditions:
Myopia 6 (MYP6). Identifiers: MedGen C1837148, MONDO:0012154, OMIM 608908.
Mitochondrial DNA depletion syndrome 1. Also called: Mitochondrial neurogastrointestinal encephalomyopathy syndrome; Mitochondrial Neurogastrointestinal Encephalopathy Disease; MITOCHONDRIAL NEUROGASTROINTESTINAL ENCEPHALOPATHY SYNDROME, TYMP-RELATED; MNGIE, TYMP-RELATED; POLIP SYNDROME; POLYNEUROPATHY, OPHTHALMOPLEGIA, LEUKOENCEPHALOPATHY, AND INTESTINAL PSEUDOOBSTRUCTION. Identifiers: Orphanet 298, MedGen C4551995, MONDO:0011283, OMIM 603041.
Cardioencephalomyopathy, fatal infantile, due to cytochrome c oxidase deficiency 1 (MC4DN2). Also called: MITOCHONDRIAL COMPLEX IV DEFICIENCY, NUCLEAR TYPE 2; CYTOCHROME c OXIDASE DEFICIENCY, FATAL INFANTILE, WITH CARDIOENCEPHALOMYOPATHY. Identifiers: Orphanet 1561, MedGen C5399977, MONDO:0011451, OMIM 604377.

Allele frequency attached by ClinVar (database versions not stated): 1000 Genomes Project 30x 0.52904; TOPMed 0.50767; gnomAD 0.51847; 1000 Genomes Project 0.53395; gnomAD exomes 0.58515.

Submissions (5):

Genome-Nilou Lab
Classification: Benign for Cardioencephalomyopathy, fatal infantile, due to cytochrome c oxidase deficiency 1. Last evaluated: 2021-07-10. Review status: criteria provided, single submitter. Criteria: ACMG Guidelines, 2015. Collection method: clinical testing. Allele origin: germline. Affected: no.

Genome-Nilou Lab
Classification: Benign for Myopia 6. Last evaluated: 2021-07-10. Review status: criteria provided, single submitter. Criteria: ACMG Guidelines, 2015. Collection method: clinical testing. Allele origin: germline. Affected: no.

Illumina Laboratory Services, Illumina
Classification: Benign for Mitochondrial DNA depletion syndrome 1. Last evaluated: 2018-01-13. Review status: criteria provided, single submitter. Criteria: ICSL Variant Classification Criteria 13 December 2019. Collection method: clinical testing. Allele origin: germline.
Comment: This variant was observed in the ICSL laboratory as part of a predisposition screen in an ostensibly healthy population. It had not been previously curated by ICSL or reported in the Human Gene Mutation Database (HGMD: prior to June 1st, 2018), and was therefore a candidate for classification through an automated scoring system. Utilizing variant allele frequency, disease prevalence and penetrance estimates, and inheritance mode, an automated score was calculated to assess if this variant is too frequent to cause the disease. Based on the score and internal cut-off values, a variant classified as benign is not then subjected to further curation. The score for this variant resulted in a classification of benign for this disease.

Illumina Laboratory Services, Illumina
Classification: Benign for Cardioencephalomyopathy, fatal infantile, due to cytochrome c oxidase deficiency 1. Last evaluated: 2018-01-12. Review status: criteria provided, single submitter. Criteria: ICSL Variant Classification Criteria 13 December 2019. Collection method: clinical testing. Allele origin: germline.
Comment: the same text as in the submission from Illumina Laboratory Services, Illumina above.

Breakthrough Genomics
Classification: Benign. Review status: criteria provided, single submitter. Criteria: ACMG Guidelines, 2015. Collection method: not provided. Allele origin: germline. Inheritance: Autosomal recessive inheritance. Affected: yes.